The following is an entry in ClinVar:

ClinVar aggregate classification (germline): Likely pathogenic (1 of 4 stars; one submission).

Conditions:
Occipital pachygyria and polymicrogyria. Identifiers: Orphanet 280640, MedGen C3279875, MONDO:0013583, OMIM 614115.

Submission:

First Genomix Gene Laboratory, Genetic Diagnostics Department
Classification: Likely pathogenic for Occipital pachygyria and polymicrogyria. Last evaluated: 2025-03-27. Review status: criteria provided, single submitter. Criteria: ACMG Guidelines, 2015. Collection method: clinical testing. Allele origin: germline. Inheritance: Autosomal recessive inheritance. Affected: no. Observed: 1 variant allele.

NM_006059.4(LAMC3):c.2811del (p.Cys938fs)

Gene: LAMC3 (laminin subunit gamma 3; plus strand). Cytogenetic location: 9q34.12.
Variant type: Deletion.
Coding change: c.2811del on transcript NM_006059.4 (MANE Select); coding-DNA position 2811, one base deleted (C; older notation c.2811delC).
Protein change: p.Cys938fs; shifts the reading frame from cysteine 938.
Molecular consequence: frameshift variant.
Genome position (GRCh38, 1-based): chr9:131,068,971, C deleted; the last of 2 consecutive C bases (chr9:131,068,970-131,068,971); deleting either gives the same sequence. VCF-style (leftmost placement, unchanged base first): chr9-131068969-AC-A. GRCh37 (hg19) VCF-style: chr9-133944356-AC-A.
Other names: c.2811delC (NM_006059.4); short protein forms C938fs.
Identifiers: ClinVar variation 4845826 (VCV004845826.1).
Genomic context (GRCh38, chr9:131,068,969, plus strand): 5'-TGCAAGTGTCACCCACTGGGCTCCCAGGAGGACCAGTGCCATCCCAAGACTGGACAGTGC[AC>A]CTGCCGCCCAGGTGTCACAGGCCAGGCCTGTGACAGGTGCCAGCTGGGTTTCTTCGGCTT-3'